The following is an entry in ClinVar:

NM_015650.4(TRAF3IP1):c.713A>G (p.Glu238Gly)

Gene: TRAF3IP1 (TRAF3 interacting protein 1; plus strand). Cytogenetic location: 2q37.3.
Variant type: single nucleotide variant.
Coding change: c.713A>G on transcript NM_015650.4 (MANE Select); coding-DNA position 713, A replaced by G.
Protein change: p.Glu238Gly; replaces glutamic acid 238 with glycine.
Molecular consequence: missense variant.
Genome position (GRCh38, 1-based): chr2:238,329,140, A>G. VCF-style: chr2-238329140-A-G. GRCh37 (hg19) VCF-style: chr2-239237781-A-G.
Other names: c.713A>G, p.Glu238Gly (NM_001139490.1); short protein forms E238G.
Identifiers: ClinVar variation 1441456 (VCV001441456.5), dbSNP rs867440025, ClinGen allele CA67980207.

ClinVar aggregate classification (germline): Uncertain significance (1 of 4 stars; one submission).

Allele frequency attached by ClinVar (database versions not stated): gnomAD exomes below 0.00001 and 0.00001.
gnomAD v4.1: 4 of 1,550,912 alleles (0.00026%); highest among the groups gnomAD compares: Non-Finnish European, 0.00017%; no homozygotes.

Submission:

Labcorp Genetics (formerly Invitae), Labcorp
Classification: Uncertain significance. Last evaluated: 2022-07-12. Review status: criteria provided, single submitter. Criteria: Invitae Variant Classification Sherloc (09022015). Collection method: clinical testing. Allele origin: germline.
Comment: This sequence change replaces glutamic acid, which is acidic and polar, with glycine, which is neutral and non-polar, at codon 238 of the TRAF3IP1 protein (p.Glu238Gly). This variant is present in population databases (no rsID available, gnomAD 0.002%). This variant has not been reported in the literature in individuals affected with TRAF3IP1-related conditions. ClinVar contains an entry for this variant (Variation ID: 1441456). Algorithms developed to predict the effect of missense changes on protein structure and function are either unavailable or do not agree on the potential impact of this missense change (SIFT: "Deleterious"; PolyPhen-2: "Possibly Damaging"; Align-GVGD: "Class C0"). In summary, the available evidence is currently insufficient to determine the role of this variant in disease. Therefore, it has been classified as a Variant of Uncertain Significance.